The following is an entry in ClinVar:

NM_006231.4(POLE):c.1213A>G (p.Met405Val)

Gene: POLE (DNA polymerase epsilon, catalytic subunit; minus strand). Cytogenetic location: 12q24.33.
Variant type: single nucleotide variant.
Coding change: c.1213A>G on transcript NM_006231.4 (MANE Select); coding-DNA position 1213, A replaced by G.
Protein change: p.Met405Val; replaces methionine 405 with valine.
Molecular consequence: missense variant.
Genome position (GRCh38, 1-based): chr12:132,675,411, T>C on the plus strand (A>G on the coding strand, the complement: POLE is on the minus strand). VCF-style: chr12-132675411-T-C. GRCh37 (hg19) VCF-style: chr12-133251997-T-C.
Other names: c.1213A>G (NM_006231.2); short protein forms M405V.
Identifiers: ClinVar variation 663024 (VCV000663024.12), dbSNP rs1064796182, ClinGen allele CA387360715.

ClinVar aggregate classification (germline): Uncertain significance. Review status: criteria provided, multiple submitters, no conflicts (2 of 4 stars). 3 submissions from 3 submitters: Uncertain significance (3). Last evaluated 2025-06-30.

Conditions:
Hereditary cancer-predisposing syndrome. Also called: Neoplastic Syndromes, Hereditary; Tumor predisposition; Hereditary neoplastic syndrome; Hereditary Cancer Syndrome. Identifiers: Orphanet 140162, MedGen C0027672, MeSH D009386, MONDO:0015356.

Allele frequency attached by ClinVar (database versions not stated): TOPMed below 0.00001.

Submissions (3):

Labcorp Genetics (formerly Invitae), Labcorp
Classification: Uncertain significance. Last evaluated: 2025-06-30. Review status: criteria provided, single submitter. Criteria: Invitae Variant Classification Sherloc (09022015). Collection method: clinical testing. Allele origin: germline.
Comment: This sequence change replaces methionine, which is neutral and non-polar, with valine, which is neutral and non-polar, at codon 405 of the POLE protein (p.Met405Val). This variant is not present in population databases (gnomAD no frequency). This variant has not been reported in the literature in individuals affected with POLE-related conditions. ClinVar contains an entry for this variant (Variation ID: 663024). Invitae Evidence Modeling of protein sequence and biophysical properties (such as structural, functional, and spatial information, amino acid conservation, physicochemical variation, residue mobility, and thermodynamic stability) indicates that this missense variant is expected to disrupt POLE protein function with a positive predictive value of 80%. In summary, the available evidence is currently insufficient to determine the role of this variant in disease. Therefore, it has been classified as a Variant of Uncertain Significance.

Ambry Genetics
Classification: Uncertain significance for Hereditary cancer-predisposing syndrome. Last evaluated: 2025-04-10. Review status: criteria provided, single submitter. Criteria: Ambry Variant Classification Scheme 2023. Collection method: clinical testing. Allele origin: germline.
Comment: The p.M405V variant (also known as c.1213A>G), located in coding exon 12 of the POLE gene, results from an A to G substitution at nucleotide position 1213. The methionine at codon 405 is replaced by valine, an amino acid with highly similar properties. This amino acid position is conserved. In addition, the in silico prediction for this alteration is inconclusive. Since supporting evidence is limited at this time, the clinical significance of this alteration remains unclear.

Sema4
Classification: Uncertain significance for Hereditary cancer-predisposing syndrome. Last evaluated: 2022-01-15. Review status: criteria provided, single submitter. Criteria: Sema4 Curation Guidelines. Collection method: curation. Allele origin: germline.
Comment: The POLE c.1213A>G (p.M405V) variant has not been reported in the literature to our knowledge. This variant is not reported in the large and broad cohorts of the Genome Aggregation Database (PMID: 32461654). The variant has been reported in ClinVar (Variation ID: 663024). Functional studies have not been performed, and in silico predictions of the variant's effect on protein function are inconclusive. The evidence is insufficient to meet ACMG/AMP criteria for classifying the variant as benign or pathogenic. Thus, the clinical significance of this variant is currently uncertain.